The following is an entry in ClinVar:

NM_005529.7(HSPG2):c.11517G>A (p.Ala3839=)

Gene: HSPG2 (heparan sulfate proteoglycan 2; minus strand). Cytogenetic location: 1p36.12.
Variant type: single nucleotide variant.
Coding change: c.11517G>A on transcript NM_005529.7 (MANE Select); coding-DNA position 11517, G replaced by A.
Protein change: p.Ala3839=; no amino-acid change (alanine 3839 retained).
Molecular consequence: synonymous variant.
Genome position (GRCh38, 1-based): chr1:21,831,260, C>T on the plus strand (G>A on the coding strand, the complement: HSPG2 is on the minus strand). VCF-style: chr1-21831260-C-T. GRCh37 (hg19) VCF-style: chr1-22157753-C-T.
Other names: c.11520G>A, p.Ala3840= (NM_001291860.2).
Identifiers: ClinVar variation 2968490 (VCV002968490.10), dbSNP rs760417250, ClinGen allele CA669750.

ClinVar aggregate classification (germline): Likely benign. Review status: criteria provided, multiple submitters, no conflicts (2 of 4 stars). 2 submissions from 2 submitters: Likely benign (2). Last evaluated 2025-02-01.

Allele frequency attached by ClinVar (database versions not stated): ExAC 0.00002; gnomAD 0.00002.
gnomAD v4.1: 89 of 1,613,884 alleles (0.0055%); highest among the groups gnomAD compares: Non-Finnish European, 0.0069%; no homozygotes.

Submissions (2):

CeGaT Center for Human Genetics Tuebingen
Classification: Likely benign. Last evaluated: 2025-02-01. Review status: criteria provided, single submitter. Criteria: CeGaT Center For Human Genetics Tuebingen Variant Classification Criteria Version 2. Collection method: clinical testing. Allele origin: germline. Affected: yes. Observed: 1 variant allele.
Comment: HSPG2: BP4, BP7

Labcorp Genetics (formerly Invitae), Labcorp
Classification: Likely benign. Last evaluated: 2023-11-18. Review status: criteria provided, single submitter. Criteria: Invitae Variant Classification Sherloc (09022015). Collection method: clinical testing. Allele origin: germline.